The following is an entry in ClinVar:

NM_000089.4(COL1A2):c.709G>A (p.Asp237Asn)

Gene: COL1A2 (collagen type I alpha 2 chain; plus strand). Cytogenetic location: 7q21.3.
Variant type: single nucleotide variant.
Coding change: c.709G>A on transcript NM_000089.4 (MANE Select); coding-DNA position 709, G replaced by A.
Protein change: p.Asp237Asn; replaces aspartic acid 237 with asparagine.
Molecular consequence: missense variant.
Genome position (GRCh38, 1-based): chr7:94,408,351, G>A. VCF-style: chr7-94408351-G-A. GRCh37 (hg19) VCF-style: chr7-94037663-G-A.
Other names: short protein forms D237N.
Identifiers: ClinVar variation 2938582 (VCV002938582.3), dbSNP rs2484705931, ClinGen allele CA368220361.

ClinVar aggregate classification (germline): Uncertain significance (1 of 4 stars; one submission).

Conditions:
Osteogenesis imperfecta type I (OI1). Also called: Lobstein disease; OI, TYPE I; OSTEOGENESIS IMPERFECTA TARDA; OSTEOGENESIS IMPERFECTA WITH BLUE SCLERAE; Osteogenesis imperfecta type 1; Lobstein's Disease. Identifiers: Orphanet 216796, Orphanet 666, MedGen C0023931, MONDO:0008146, OMIM 166200. Disease mechanism: loss of function.
Ehlers-Danlos syndrome, classic type, 1 (EDSCL1). Also called: EDS I; EHLERS-DANLOS SYNDROME, GRAVIS TYPE; EHLERS-DANLOS SYNDROME, SEVERE CLASSIC TYPE; Ehlers-Danlos syndrome, type 1; Ehlers-Danlos Syndrome, Classic Type, COL5A1-Related. Identifiers: MedGen C0268335, MONDO:0019567, OMIM 130000.

Submission:

Labcorp Genetics (formerly Invitae), Labcorp
Classification: Uncertain significance for Osteogenesis imperfecta type I; Ehlers-Danlos syndrome, classic type, 1. Last evaluated: 2022-12-07. Review status: criteria provided, single submitter. Criteria: Invitae Variant Classification Sherloc (09022015). Collection method: clinical testing. Allele origin: germline.
Comment: This sequence change replaces aspartic acid, which is acidic and polar, with asparagine, which is neutral and polar, at codon 237 of the COL1A2 protein (p.Asp237Asn). In summary, the available evidence is currently insufficient to determine the role of this variant in disease. Therefore, it has been classified as a Variant of Uncertain Significance. Advanced modeling of protein sequence and biophysical properties (such as structural, functional, and spatial information, amino acid conservation, physicochemical variation, residue mobility, and thermodynamic stability) has been performed at Invitae for this missense variant, however the output from this modeling did not meet the statistical confidence thresholds required to predict the impact of this variant on COL1A2 protein function. This variant has not been reported in the literature in individuals affected with COL1A2-related conditions. This variant is not present in population databases (gnomAD no frequency).